The following is an entry in ClinVar:

NM_020754.4(ARHGAP31):c.2826G>C (p.Arg942Ser)

Gene: ARHGAP31 (Rho GTPase activating protein 31; plus strand). Cytogenetic location: 3q13.33.
Variant type: single nucleotide variant.
Coding change: c.2826G>C on transcript NM_020754.4 (MANE Select); coding-DNA position 2826, G replaced by C.
Protein change: p.Arg942Ser; replaces arginine 942 with serine.
Molecular consequence: missense variant.
Genome position (GRCh38, 1-based): chr3:119,414,755, G>C. VCF-style: chr3-119414755-G-C. GRCh37 (hg19) VCF-style: chr3-119133602-G-C.
Other names: short protein forms R942S.
Identifiers: ClinVar variation 2984482 (VCV002984482.3), dbSNP rs755672113, ClinGen allele CA2554103.

ClinVar aggregate classification (germline): Uncertain significance (1 of 4 stars; one submission).

Allele frequency attached by ClinVar (database versions not stated): TOPMed below 0.00001; ExAC 0.00001; gnomAD 0.00001; gnomAD exomes 0.00001.
gnomAD v4.1: 13 of 1,614,072 alleles (0.00081%); highest among the groups gnomAD compares: African/African-American, 0.0013%; no homozygotes.

Submission:

Labcorp Genetics (formerly Invitae), Labcorp
Classification: Uncertain significance. Last evaluated: 2023-07-16. Review status: criteria provided, single submitter. Criteria: Invitae Variant Classification Sherloc (09022015). Collection method: clinical testing. Allele origin: germline.
Comment: In summary, the available evidence is currently insufficient to determine the role of this variant in disease. Therefore, it has been classified as a Variant of Uncertain Significance. An algorithm developed to predict the effect of missense changes on protein structure and function (PolyPhen-2) suggests that this variant is likely to be disruptive. This variant has not been reported in the literature in individuals affected with ARHGAP31-related conditions. This variant is present in population databases (rs755672113, gnomAD 0.0009%). This sequence change replaces arginine, which is basic and polar, with serine, which is neutral and polar, at codon 942 of the ARHGAP31 protein (p.Arg942Ser).